The following is an entry in ClinVar:

ClinVar aggregate classification (germline): Uncertain significance (1 of 4 stars; one submission).

Conditions:
Spastic paraplegia. Identifiers: MedGen C0037772, HP:0001258.

Submission:

Labcorp Genetics (formerly Invitae), Labcorp
Classification: Uncertain significance for Spastic paraplegia. Last evaluated: 2022-06-05. Review status: criteria provided, single submitter. Criteria: Invitae Variant Classification Sherloc (09022015). Collection method: clinical testing. Allele origin: germline.
Comment: This variant is not present in population databases (gnomAD no frequency). In summary, the available evidence is currently insufficient to determine the role of this variant in disease. Therefore, it has been classified as a Variant of Uncertain Significance. Algorithms developed to predict the effect of missense changes on protein structure and function are either unavailable or do not agree on the potential impact of this missense change (SIFT: "Deleterious"; PolyPhen-2: "Probably Damaging"; Align-GVGD: "Class C0"). ClinVar contains an entry for this variant (Variation ID: 1392213). This variant has not been reported in the literature in individuals affected with CYP7B1-related conditions. This sequence change replaces glutamic acid, which is acidic and polar, with lysine, which is basic and polar, at codon 408 of the CYP7B1 protein (p.Glu408Lys).

NM_004820.5(CYP7B1):c.1222G>A (p.Glu408Lys)

Gene: CYP7B1 (cytochrome P450 family 7 subfamily B member 1; minus strand). Cytogenetic location: 8q12.3.
Variant type: single nucleotide variant.
Coding change: c.1222G>A on transcript NM_004820.5 (MANE Select); coding-DNA position 1222, G replaced by A.
Protein change: p.Glu408Lys; replaces glutamic acid 408 with lysine.
Molecular consequence: missense variant.
Genome position (GRCh38, 1-based): chr8:64,604,693, C>T on the plus strand (G>A on the coding strand, the complement: CYP7B1 is on the minus strand). VCF-style: chr8-64604693-C-T. GRCh37 (hg19) VCF-style: chr8-65517250-C-T.
Other names: c.1222G>A, p.Glu408Lys (NM_001324112.2); short protein forms E408K.
Identifiers: ClinVar variation 1392213 (VCV001392213.6), dbSNP rs2129629940, ClinGen allele CA371334010.